The following is an entry in ClinVar:

ClinVar aggregate classification (germline): Uncertain significance (1 of 4 stars; one submission).

Conditions:
Developmental and epileptic encephalopathy. Identifiers: MedGen C5779964, MONDO:0100620.

Submission:

Labcorp Genetics (formerly Invitae), Labcorp
Classification: Uncertain significance for Early infantile epileptic encephalopathy with suppression bursts. Last evaluated: 2019-03-21. Review status: criteria provided, single submitter. Criteria: Invitae Variant Classification Sherloc (09022015). Collection method: clinical testing. Allele origin: germline.
Comment: This sequence change deletes 224 nucleotides from exon 1 of the HCN1 mRNA (c.-190_224del), affecting the initiator methionine. While it is expected to result in an absent or disrupted protein product, alternate in-frame methionines downstream of the initiator codon could potentially rescue the translation initiation. This variant has not been reported in the literature in individuals with HCN1-related disease. The current clinical and genetic evidence is not sufficient to establish whether loss-of-function variants in HCN1 cause disease. In summary, the available evidence is currently insufficient to determine the role of this variant in disease. Therefore, it has been classified as a Variant of Uncertain Significance.

NM_021072.4(HCN1):c.-25_425del (p.Met1_Arg142del)

Gene: HCN1 (hyperpolarization activated cyclic nucleotide gated potassium channel 1; minus strand). Cytogenetic location: 5p12.
Variant type: Deletion.
Coding change: c.-25_425del on transcript NM_021072.4 (MANE Select); 25 bases upstream of the start codon through coding-DNA position 425, 450 bases deleted.
Protein change: p.Met1_Arg142del.
Molecular consequence: inframe deletion, initiator codon variant.
Genome position (GRCh38, 1-based): chr5:45,695,669-45,696,118, 450 bases deleted. GRCh37 (hg19): chr5:45,695,772-45,696,221.
Identifiers: ClinVar variation 971425 (VCV000971425.3), dbSNP rs1739994846, ClinGen allele CA1139658827.